The following is an entry in ClinVar:

ClinVar aggregate classification (germline): Uncertain significance (1 of 4 stars; one submission).

Allele frequency attached by ClinVar (database versions not stated): gnomAD exomes below 0.00001; gnomAD 0.00001; TOPMed 0.00001.

Submission:

Labcorp Genetics (formerly Invitae), Labcorp
Classification: Uncertain significance. Last evaluated: 2024-07-16. Review status: criteria provided, single submitter. Criteria: Invitae Variant Classification Sherloc (09022015). Collection method: clinical testing. Allele origin: germline.
Comment: This sequence change replaces histidine, which is basic and polar, with tyrosine, which is neutral and polar, at codon 110 of the IFITM5 protein (p.His110Tyr). This variant is present in population databases (no rsID available, gnomAD 0.003%). This variant has not been reported in the literature in individuals affected with IFITM5-related conditions. An algorithm developed to predict the effect of missense changes on protein structure and function (PolyPhen-2) suggests that this variant is likely to be disruptive. In summary, the available evidence is currently insufficient to determine the role of this variant in disease. Therefore, it has been classified as a Variant of Uncertain Significance.

NM_001025295.3(IFITM5):c.328C>T (p.His110Tyr)

Gene: IFITM5 (interferon induced transmembrane protein 5; minus strand). Cytogenetic location: 11p15.5.
Variant type: single nucleotide variant.
Coding change: c.328C>T on transcript NM_001025295.3 (MANE Select); coding-DNA position 328, C replaced by T.
Protein change: p.His110Tyr; replaces histidine 110 with tyrosine.
Molecular consequence: missense variant.
Genome position (GRCh38, 1-based): chr11:298,572, G>A on the plus strand (C>T on the coding strand, the complement: IFITM5 is on the minus strand). VCF-style: chr11-298572-G-A. GRCh37 (hg19) VCF-style: chr11-298572-G-A.
Other names: short protein forms H110Y.
Identifiers: ClinVar variation 2974197 (VCV002974197.3), dbSNP rs1328569376, ClinGen allele CA378890049.
Genomic context (GRCh38, chr11:298,572, plus strand): 5'-CCGCGTCATCAAACTTGGTGCTGAAGAAGGCGGCAGAGTCCTTGGCCAGCCGGGCCAGGT[G>A]CAGGGCACCAGTCACCACCAGCCCCAGGAGCAGCAGTGGCGGCACCAGCGTCCACATCGC-3'
Protein context (NP_001020466.1, residues 100-120): LLGLVVTGAL[His110Tyr]LARLAKDSAA